The following is an entry in ClinVar:

ClinVar aggregate classification (germline): Uncertain significance. Review status: criteria provided, multiple submitters, no conflicts (2 of 4 stars). 3 submissions from 3 submitters: Uncertain significance (3). Last evaluated 2026-01-22.

Conditions:
Endometrial carcinoma. Also called: Endometrial carcinoma, somatic. Identifiers: MedGen C0476089, MONDO:0002447, OMIM 608089, HP:0012114.
Colorectal cancer, hereditary nonpolyposis, type 7. Identifiers: Orphanet 144, MedGen C1858380, MONDO:0013725, OMIM 614385.
Colorectal cancer. Also called: Colorectal cancer, somatic; Malignant Colorectal Neoplasm. Identifiers: MedGen C0346629, MONDO:0005575, OMIM 114500.

Allele frequency attached by ClinVar (database versions not stated): TOPMed 0.00002; gnomAD 0.00003; gnomAD exomes 0.00006 and 0.00009; ExAC 0.00008; ESP Exome Variant Server 0.00008; 1000 Genomes Project 30x 0.00016; 1000 Genomes Project 0.00020.
gnomAD v4.1: 130 of 1,613,194 alleles (0.0081%); highest among the groups gnomAD compares: Non-Finnish European, 0.011%; no homozygotes.

Submissions (3):

Labcorp Genetics (formerly Invitae), Labcorp
Classification: Uncertain significance for Colorectal cancer, hereditary nonpolyposis, type 7. Last evaluated: 2026-01-22. Review status: criteria provided, single submitter. Criteria: Invitae Variant Classification Sherloc (09022015). Collection method: clinical testing. Allele origin: germline.
Comment: This sequence change replaces glutamic acid, which is acidic and polar, with lysine, which is basic and polar, at codon 386 of the MLH3 protein (p.Glu386Lys). This variant is present in population databases (rs142081869, gnomAD 0.01%). This variant has not been reported in the literature in individuals affected with MLH3-related conditions. ClinVar contains an entry for this variant (Variation ID: 658140). An algorithm developed to predict the effect of missense changes on protein structure and function (PolyPhen-2) suggests that this variant is likely to be tolerated. In summary, the available evidence is currently insufficient to determine the role of this variant in disease. Therefore, it has been classified as a Variant of Uncertain Significance.

Ambry Genetics
Classification: Uncertain significance. Last evaluated: 2025-01-10. Review status: criteria provided, single submitter. Criteria: Ambry Variant Classification Scheme 2023. Collection method: clinical testing. Allele origin: germline.
Comment: The p.E386K variant (also known as c.1156G>A), located in coding exon 1 of the MLH3 gene, results from a G to A substitution at nucleotide position 1156. The glutamic acid at codon 386 is replaced by lysine, an amino acid with similar properties. This amino acid position is well conserved in available vertebrate species. In addition, the in silico prediction for this alteration is inconclusive. Since supporting evidence is limited at this time, the clinical significance of this alteration remains unclear.

Department of Pathology and Laboratory Medicine, Sinai Health System
Classification: Uncertain significance for Colorectal cancer; Endometrial carcinoma; Colorectal cancer, hereditary nonpolyposis, type 7. Last evaluated: 2024-04-22. Review status: criteria provided, single submitter. Criteria: ACMG Guidelines, 2015. Collection method: clinical testing. Allele origin: germline. Affected: yes.

NM_001040108.2(MLH3):c.1156G>A (p.Glu386Lys)

Gene: MLH3 (mutL homolog 3; minus strand). Cytogenetic location: 14q24.3.
Variant type: single nucleotide variant.
Coding change: c.1156G>A on transcript NM_001040108.2 (MANE Select); coding-DNA position 1156, G replaced by A.
Protein change: p.Glu386Lys; replaces glutamic acid 386 with lysine.
Molecular consequence: missense variant.
Genome position (GRCh38, 1-based): chr14:75,048,500, C>T on the plus strand (G>A on the coding strand, the complement: MLH3 is on the minus strand). VCF-style: chr14-75048500-C-T. GRCh37 (hg19) VCF-style: chr14-75515203-C-T.
Other names: c.1156G>A, p.Glu386Lys (NM_014381.3); short protein forms E386K.
Identifiers: ClinVar variation 658140 (VCV000658140.12), dbSNP rs142081869, ClinGen allele CA7275911.